The following is an entry in ClinVar:

ClinVar aggregate classification (germline): Uncertain significance (1 of 4 stars; one submission).

Allele frequency attached by ClinVar (database versions not stated): TOPMed below 0.00001.

Submission:

Labcorp Genetics (formerly Invitae), Labcorp
Classification: Uncertain significance. Last evaluated: 2022-11-09. Review status: criteria provided, single submitter. Criteria: Invitae Variant Classification Sherloc (09022015). Collection method: clinical testing. Allele origin: germline.
Comment: In summary, the available evidence is currently insufficient to determine the role of this variant in disease. Therefore, it has been classified as a Variant of Uncertain Significance. This variant has not been reported in the literature in individuals affected with GRIN2D-related conditions. This variant is not present in population databases (gnomAD no frequency). This sequence change replaces arginine, which is basic and polar, with histidine, which is basic and polar, at codon 723 of the GRIN2D protein (p.Arg723His). Advanced modeling of protein sequence and biophysical properties (such as structural, functional, and spatial information, amino acid conservation, physicochemical variation, residue mobility, and thermodynamic stability) performed at Invitae indicates that this missense variant is not expected to disrupt GRIN2D protein function.

NM_000836.4(GRIN2D):c.2168G>A (p.Arg723His)

Gene: GRIN2D (glutamate ionotropic receptor NMDA type subunit 2D; plus strand). Cytogenetic location: 19q13.33.
Variant type: single nucleotide variant.
Coding change: c.2168G>A on transcript NM_000836.4 (MANE Select); coding-DNA position 2168, G replaced by A.
Protein change: p.Arg723His; replaces arginine 723 with histidine.
Molecular consequence: missense variant.
Genome position (GRCh38, 1-based): chr19:48,421,861, G>A. VCF-style: chr19-48421861-G-A. GRCh37 (hg19) VCF-style: chr19-48925118-G-A.
Other names: short protein forms R723H.
Identifiers: ClinVar variation 2811322 (VCV002811322.3), dbSNP rs1971028993, ClinGen allele CA406663898.